The following is an entry in ClinVar:

NM_001384125.1(BLTP1):c.3413G>C (p.Gly1138Ala)

Gene: BLTP1 (bridge-like lipid transfer protein family member 1; plus strand). Cytogenetic location: 4q27.
Variant type: single nucleotide variant.
Coding change: c.3413G>C on transcript NM_001384125.1 (MANE Select); coding-DNA position 3413, G replaced by C.
Protein change: p.Gly1138Ala; replaces glycine 1138 with alanine.
Molecular consequence: missense variant.
Genome position (GRCh38, 1-based): chr4:122,234,862, G>C. VCF-style: chr4-122234862-G-C. GRCh37 (hg19) VCF-style: chr4-123156017-G-C.
Other names: c.3413G>C, p.Gly1138Ala (NM_015312.4); short protein forms G1138A.
Identifiers: ClinVar variation 1700733 (VCV001700733.3), dbSNP rs2148599444, ClinGen allele CA358086317.

ClinVar aggregate classification (germline): Uncertain significance (1 of 4 stars; one submission).

Submission:

GeneDx
Classification: Uncertain significance. Last evaluated: 2024-07-08. Review status: criteria provided, single submitter. Criteria: GeneDx Variant Classification Process June 2021. Collection method: clinical testing. Allele origin: germline. Affected: yes.
Comment: Not observed at significant frequency in large population cohorts (gnomAD); In silico analysis indicates that this missense variant does not alter protein structure/function; Has not been previously published as pathogenic or benign to our knowledge